The following is an entry in ClinVar:

NM_004004.6(GJB2):c.647_650del (p.Arg216fs)

Gene: GJB2 (gap junction protein beta 2; minus strand). Cytogenetic location: 13q12.11.
Variant type: Deletion.
Coding change: c.647_650del on transcript NM_004004.6 (MANE Select); coding-DNA positions 647 to 650, 4 bases deleted (GATA; older notation c.647_650delGATA).
Protein change: p.Arg216fs; shifts the reading frame from arginine 216.
Genome position (GRCh38, 1-based): chr13:20,188,932-20,188,935, TATC deleted on the plus strand (GATA on the coding strand, the reverse complement: GJB2 is on the minus strand); deleting any 4 consecutive bases within chr13:20,188,932-20,188,937 gives the same sequence; the c. name uses the placement nearest the transcript's 3' end. VCF-style (leftmost placement, unchanged base first): chr13-20188931-ATATC-A. GRCh37 (hg19) VCF-style: chr13-20763070-ATATC-A.
Other names: c.647_650delGATA (NM_004004.6); short protein forms R216fs.
Identifiers: ClinVar variation 158609 (VCV000158609.53), dbSNP rs587783647, ClinGen allele CA172239.

ClinVar aggregate classification (germline): Pathogenic/Likely pathogenic. Review status: criteria provided, multiple submitters, no conflicts (2 of 4 stars). 16 submissions from 15 submitters: Pathogenic (11); Likely pathogenic (2). 3 of the submissions do not count toward it. Last evaluated 2026-01-22.

Conditions:
GJB2-related disorder. Also called: GJB2-related condition; GJB2-related disorders. Identifiers: MedGen CN382183, MONDO:1060236.
Rare genetic deafness. Identifiers: Orphanet 96210, MedGen C5680250.
Inborn genetic diseases. Identifiers: MedGen C0950123, MeSH D030342.
Autosomal dominant keratitis-ichthyosis-hearing loss syndrome. Also called: Senter syndrome; KID SYNDROME, AUTOSOMAL DOMINANT; HID SYNDROME. Identifiers: Orphanet 477, MedGen C0265336, MONDO:0007850, OMIM 148210.
Autosomal recessive nonsyndromic hearing loss 1A (DFNB1A). Also called: GJB2-Related Autosomal Recessive Nonsyndromic Hearing Loss; GJB6-Related DFNB 1 Nonsyndromic Hearing Loss and Deafness; Connexin 26 deafness; Deafness nonsyndromic, Connexin 26 linked; Nonsyndromic Hearing Loss and Deafness, DFNB1; Deafness, autosomal recessive 1A. Identifiers: Orphanet 90636, MedGen C2673759, MONDO:0009076, OMIM 220290.
Palmoplantar keratoderma-deafness syndrome. Also called: Keratoderma palmoplantar, with deafness; Palmoplantar keratoderma and sensorineural deafness; Hereditary palmoplantar keratoderma with deafness (subtype); Focal palmoplantar keratoderma with sensorineural deafness (subtype); Diffuse palmoplantar keratoderma with deafness (subtype). Identifiers: Orphanet 2202, MedGen C1835672, MONDO:0007852, OMIM 148350.
Ichthyosis, hystrix-like, with hearing loss. Also called: Hystrix-like ichthyosis with deafness. Identifiers: Orphanet 477, MedGen C1865234, MONDO:0011245.
Knuckle pads, deafness AND leukonychia syndrome. Also called: Bart-Pumphrey syndrome. Identifiers: Orphanet 2698, MedGen C0266004, MONDO:0007866, OMIM 149200.
Autosomal dominant nonsyndromic hearing loss 3A. Identifiers: Orphanet 90635, MedGen C2675750, MONDO:0011103, OMIM 601544.
Mutilating keratoderma (VOWNKL). Also called: Keratoderma hereditarium mutilans. Identifiers: Orphanet 494, MedGen C0265964, MONDO:0007422, OMIM 124500.
Hearing impairment. Also called: Impaired Hearing. Identifiers: MedGen C1384666, MONDO:0005365, HP:0000365.

Submissions 1 to 8 of 16:

Natera, Inc.
Classification: Pathogenic for Autosomal recessive deafness type 1A. Last evaluated: 2026-01-22. Review status: criteria provided, single submitter. Criteria: Natera Variant Classification Schema (03/2026). Collection method: clinical testing. Allele origin: germline.
Comment: The c.647_650delGATA variant in GJB2 is a frameshift variant predicted to elongate the protein beyond the termination codon. This variant is rare in the general population with a frequency below the threshold expected for the associated phenotype(s). This variant has been observed in one or more individuals affected with the associated recessive disease, as either homozygous or compound heterozygous with a second variant (PMID: 15365987, 17666888, 25288386, 17041943). Computational prediction algorithms indicate this variant is likely to affect gene or protein function. Given the available evidence, this variant is classified as Pathogenic.

GeneDx
Classification: Pathogenic. Last evaluated: 2025-11-11. Review status: criteria provided, single submitter. Criteria: GeneDx Variant Classification Process June 2021. Collection method: clinical testing. Allele origin: germline. Affected: yes.
Comment: Frameshift variant predicted to result in abnormal protein length as the last 11 amino acids are replaced with 16 different amino acids, and other similar variants have been reported in HGMD; This variant is associated with the following publications: (PMID: 15365987, 17041943, 11102979, 25288386, 31160754, 17666888, 37688579)

Labcorp Genetics (formerly Invitae), Labcorp
Classification: Pathogenic. Last evaluated: 2025-10-14. Review status: criteria provided, single submitter. Criteria: Invitae Variant Classification Sherloc (09022015). Collection method: clinical testing. Allele origin: germline.
Comment: This sequence change creates a premature translational stop signal (p.Arg216Ilefs*17) in the GJB2 gene. While this is not anticipated to result in nonsense mediated decay, it is expected to disrupt the last 11 amino acid(s) of the GJB2 protein. This variant is present in population databases (rs587783647, gnomAD 0.04%). This premature translational stop signal has been observed in individual(s) with autosomal recessive sensorineural deafness (PMID: 11102979, 17041943, 17666888, 25288386). In at least one individual the data is consistent with being in trans (on the opposite chromosome) from a pathogenic variant. This variant is also known as c.645-648delTAGA. ClinVar contains an entry for this variant (Variation ID: 158609). Experimental studies and prediction algorithms are not available or were not evaluated, and the functional significance of this variant is currently unknown. For these reasons, this variant has been classified as Pathogenic.

Ambry Genetics
Classification: Pathogenic for Inborn genetic diseases. Last evaluated: 2025-05-14. Review status: criteria provided, single submitter. Criteria: Ambry Variant Classification Scheme 2023. Collection method: clinical testing. Allele origin: germline.
Comment: This alteration occurs at the 3' terminus of the GJB2 gene, is not expected to trigger nonsense-mediated mRNA decay and results in the elongation of the protein by 5 amino acids. This frameshift impacts the last 17 amino acids of the native protein. However, frameshifts are typically deleterious in nature. for autosomal recessive non-syndromic hearing loss; however, it is unlikely to be causative of autosomal dominant non-syndromic hearing loss or syndromic hearing loss with ectodermal involvement. Based on data from gnomAD, this allele has an overall frequency of 0.005% (12/249266) total alleles studied. The highest observed frequency was 0.035% (12/34560) of Latino alleles. This variant has been identified in the homozygous state and/or in conjunction with other GJB2 variants in individuals with features consistent with GJB2-related nonsyndromic hearing loss; in at least one instance, the variants were identified in trans (Prasad, 2000; Azaiez, 2004; Tang, 2006; Hern&aacute;ndez-Ju&aacute;rez, 2014; Ambry internal data). Based on the available evidence, this alteration is classified as pathogenic.

Athena Diagnostics
Classification: Likely pathogenic. Last evaluated: 2024-06-18. Review status: criteria provided, single submitter. Criteria: Athena Diagnostics Criteria. Collection method: clinical testing. Allele origin: unknown.
Comment: The frequency of this variant in the general population is consistent with pathogenicity. This variant has been identified in at least one individual with clinical features associated with this gene. In some published literature, this variant is referred to as 645-648delTAGA. This variant is expected to extend the open reading frame, and is therefore not expected to cause loss of protein expression through nonsense-mediated decay. However, it may still disrupt protein function. This variant is statistically more frequent in affected individuals than in the general population and/or healthy controls. In multiple individuals, this variant has been seen with a single recessive pathogenic variant in the same gene, suggesting this variant may also be pathogenic.

Fulgent Genetics
Classification: Likely pathogenic for Mutilating keratoderma; Autosomal dominant keratitis-ichthyosis-hearing loss syndrome; Palmoplantar keratoderma-deafness syndrome; Knuckle pads, deafness AND leukonychia syndrome; Autosomal recessive nonsyndromic hearing loss 1A; Autosomal dominant nonsyndromic hearing loss 3A. Last evaluated: 2024-02-24. Review status: criteria provided, single submitter. Criteria: ACMG Guidelines, 2015. Collection method: clinical testing. Allele origin: germline.

Revvity Omics, Revvity
Classification: Pathogenic. Last evaluated: 2024-01-30. Review status: criteria provided, single submitter. Criteria: ACMG Guidelines, 2015. Collection method: clinical testing. Allele origin: germline.

Women's Health and Genetics/Laboratory Corporation of America, LabCorp
Classification: Pathogenic for Autosomal recessive nonsyndromic hearing loss 1A. Last evaluated: 2024-01-09. Review status: criteria provided, single submitter. Criteria: LabCorp Variant Classification Summary - May 2015. Collection method: clinical testing. Allele origin: germline.
Comment: Variant summary: GJB2 c.647_650delGATA (p.Arg216IlefsX17) causes a frameshift which results in an extension of the protein. The variant allele was found at a frequency of 4.8e-05 in 250054 control chromosomes (gnomAD). This frequency is not significantly higher than estimated for a pathogenic variant in GJB2 causing Autosomal Recessive Non-Syndromic Hearing Loss (4.8e-05 vs 0.025), allowing no conclusion about variant significance. c.647_650delGATA has been reported in the literature in multiple individuals affected with Autosomal Recessive Non-Syndromic Hearing Loss (examples: Prasad_2000, Tang_2006, Putcha_2007). These data indicate that the variant is very likely to be associated with disease. The following publications have been ascertained in the context of this evaluation (PMID: 11102979, 17666888, 17041943). ClinVar contains an entry for this variant (Variation ID: 158609). Based on the evidence outlined above, the variant was classified as pathogenic.